The following is an entry in ClinVar:

ClinVar aggregate classification (germline): Uncertain significance. Review status: criteria provided, multiple submitters, no conflicts (2 of 4 stars). 2 submissions from 2 submitters: Uncertain significance (2). Last evaluated 2024-04-23.

Conditions:
Dystonia 28, childhood-onset (DYT28). Also called: KMT2B-Related Dystonia (DYT-KMT2B). Identifiers: Orphanet 589618, MedGen C4310633, MONDO:0015004, OMIM 617284.

Allele frequency attached by ClinVar (database versions not stated): gnomAD exomes below 0.00001.
gnomAD v4.1: 1 of 1,613,720 alleles (0.000062%); highest among the groups gnomAD compares: Admixed American, 0.0017%; no homozygotes.

Submissions (2):

GeneDx
Classification: Uncertain significance. Last evaluated: 2024-04-23. Review status: criteria provided, single submitter. Criteria: GeneDx Variant Classification Process June 2021. Collection method: clinical testing. Allele origin: germline. Affected: yes.
Comment: Not observed at significant frequency in large population cohorts (gnomAD); In silico analysis indicates that this missense variant does not alter protein structure/function; Has not been previously published as pathogenic or benign to our knowledge

MGZ Medical Genetics Center
Classification: Uncertain significance for Dystonia 28, childhood-onset. Last evaluated: 2022-06-13. Review status: criteria provided, single submitter. Criteria: ACMG Guidelines, 2015. Collection method: clinical testing. Allele origin: germline. Affected: yes. Observed: 1 variant allele.
Comment: ACMG criteria applied: PS2, PM2_SUP

NM_014727.3(KMT2B):c.4307G>A (p.Gly1436Glu)

Gene: KMT2B (lysine methyltransferase 2B; plus strand). Cytogenetic location: 19q13.12.
Variant type: single nucleotide variant.
Coding change: c.4307G>A on transcript NM_014727.3 (MANE Select); coding-DNA position 4307, G replaced by A.
Protein change: p.Gly1436Glu; replaces glycine 1436 with glutamic acid.
Molecular consequence: missense variant.
Genome position (GRCh38, 1-based): chr19:35,727,702, G>A. VCF-style: chr19-35727702-G-A. GRCh37 (hg19) VCF-style: chr19-36218603-G-A.
Other names: c.4307G>A (NM_014727.2); short protein forms G1436E.
Identifiers: ClinVar variation 1709593 (VCV001709593.2), dbSNP rs1305525109, ClinGen allele CA405413615.